The following is an entry in ClinVar:

NM_002547.3(OPHN1):c.832+6T>G

Gene: OPHN1 (oligophrenin 1; minus strand). Cytogenetic location: Xq12.
Variant type: single nucleotide variant.
Coding change: c.832+6T>G on transcript NM_002547.3 (MANE Select); 6 bases into the intron after coding-DNA position 832, T replaced by G.
Molecular consequence: intron variant.
Genome position (GRCh38, 1-based): chrX:68,210,147, A>C on the plus strand (T>G on the coding strand, the complement: OPHN1 is on the minus strand). VCF-style: chrX-68210147-A-C. GRCh37 (hg19) VCF-style: chrX-67429989-A-C.
Identifiers: ClinVar variation 3775187 (VCV003775187.1).

ClinVar aggregate classification (germline): Uncertain significance (1 of 4 stars; one submission).

Conditions:
Intellectual developmental disorder, X-linked, syndromic, Billuart type. Also called: MENTAL RETARDATION, X-LINKED 60; X-linked intellectual disability-cerebellar hypoplasia syndrome. Identifiers: Orphanet 137831, MedGen C1845366, MONDO:0010337, OMIM 300486.

Submission:

3billion
Classification: Uncertain significance for Intellectual developmental disorder, X-linked, syndromic, Billuart type. Last evaluated: 2024-01-19. Review status: criteria provided, single submitter. Criteria: ACMG Guidelines, 2015. Collection method: clinical testing. Allele origin: germline. Affected: yes.
Comment: The variant is not observed in the gnomAD v2.1.1 dataset. Predicted Consequence/Location: Intron variant In silico tools predict the variant to alter splicing and produce an abnormal transcript [SpliceAI: 0.68 (>=0.2, moderate evidence for spliceogenicity)]. Therefore, this variant is classified as VUS according to the recommendation of ACMG/AMP guideline.